The following is an entry in ClinVar:

ClinVar aggregate classification (germline): Conflicting classifications of pathogenicity. Review status: criteria provided, conflicting classifications (1 of 4 stars). 4 submissions from 4 submitters: Pathogenic (2); Uncertain significance (1). 1 of the submissions does not count toward it. Last evaluated 2026-05-01.

Conditions:
Meckel syndrome, type 1 (MKS1). Also called: MECKEL-GRUBER SYNDROME, TYPE 1. Identifiers: Orphanet 564, MedGen C3714506, MONDO:0009571, OMIM 249000.
Bardet-Biedl syndrome 13 (BBS13). Identifiers: Orphanet 110, MedGen C2673873, MONDO:0014441, OMIM 615990.
Joubert syndrome 28 (JBTS28). Identifiers: MedGen C4310705, MONDO:0014928, OMIM 617121.
MKS1-related disorder. Also called: MKS1-related condition; MKS1-related disorders. Identifiers: MedGen CN239382.
Joubert syndrome. Also called: JOUBERT-BOLTSHAUSER SYNDROME; Familial aplasia of the vermis. Identifiers: Orphanet 475, MedGen C5979921, MONDO:0018772.
Meckel-Gruber syndrome. Also called: Dysencephalia splachnocystica; DYSENCEPHALIA SPLANCHNOCYSTICA; GRUBER SYNDROME. Identifiers: Orphanet 564, MedGen C0265215, MONDO:0018921.

Submissions (4):

CeGaT Center for Human Genetics Tuebingen
Classification: Uncertain significance. Last evaluated: 2026-05-01. Review status: criteria provided, single submitter. Criteria: CeGaT Center For Human Genetics Tuebingen Variant Classification Criteria Version 2. Collection method: clinical testing. Allele origin: germline. Affected: yes. Observed: 1 variant allele.
Comment: MKS1: PM2, PM3:Supporting

Daryl Scott Lab, Baylor College of Medicine
Classification: Pathogenic for MKS1-related disorder. Last evaluated: 2025-08-25. Review status: criteria provided, single submitter. Criteria: ACMG Guidelines, 2015. Collection method: clinical testing. Allele origin: paternal. Affected: yes. Observed: 1 compound heterozygote.
Comment: PS4, PM2, PM3

Labcorp Genetics (formerly Invitae), Labcorp
Classification: Pathogenic for Joubert syndrome; Meckel-Gruber syndrome. Last evaluated: 2017-12-13. Review status: criteria provided, single submitter. Criteria: Invitae Variant Classification Sherloc (09022015). Collection method: clinical testing. Allele origin: germline.
Comment: For these reasons, this variant has been classified as Pathogenic. Algorithms developed to predict the effect of sequence changes on RNA splicing suggest that this variant may create or strengthen a splice site, but this prediction has not been confirmed by published transcriptional studies. Algorithms developed to predict the effect of missense changes on protein structure and function do not agree on the potential impact of this missense change (SIFT: "Deleterious"; PolyPhen-2: "Benign"; Align-GVGD: "Class C0"). This variant has been observed in individuals with clinical features of Joubert syndrome (Invitae). In at least one of these individuals, it was determined to be on the opposite chromosome (in trans) from a pathogenic MKS1 variant. This finding is consistent with autosomal recessive inheritance, and suggests that this variant contributes to disease. This variant is not present in population databases (ExAC no frequency). This sequence change replaces isoleucine with serine at codon 78 of the MKS1 protein (p.Ile78Ser). The isoleucine residue is moderately conserved and there is a large physicochemical difference between isoleucine and serine.

Counsyl
Classification: Uncertain significance for Meckel syndrome, type 1; Bardet-Biedl syndrome 13; Joubert syndrome 28. Last evaluated: 2017-03-13. Review status: no assertion criteria provided. Collection method: clinical testing. Allele origin: unknown. Not counted in ClinVar's aggregate classification.

NM_017777.4(MKS1):c.233T>G (p.Ile78Ser)

Gene: MKS1 (MKS transition zone complex subunit 1; minus strand). Cytogenetic location: 17q22.
Variant type: single nucleotide variant.
Coding change: c.233T>G on transcript NM_017777.4 (MANE Select); coding-DNA position 233, T replaced by G.
Protein change: p.Ile78Ser; replaces isoleucine 78 with serine.
Molecular consequence: missense variant. On other transcripts: 5 prime UTR variant (1).
Genome position (GRCh38, 1-based): chr17:58,216,694, A>C on the plus strand (T>G on the coding strand, the complement: MKS1 is on the minus strand). VCF-style: chr17-58216694-A-C. GRCh37 (hg19) VCF-style: chr17-56294055-A-C.
Other names: c.-279T>G (NM_001321268.2); c.233T>G, p.Ile78Ser (NM_001321269.2, NM_001330397.2); short protein forms I78S.
Identifiers: ClinVar variation 188334 (VCV000188334.13), dbSNP rs786204222, ClinGen allele CA334638.
Genomic context (GRCh38, chr17:58,216,694, plus strand): 5'-ATAGACAGAGAAGACAAGAGACACTGGCTCACCTGGCTAAAGAGCTTCTCCTGCCACCCA[A>C]TCACAATCTCCTCCTCTTCGTCTTCCTCTGGGCGGTGTCCACCTCCAAAGACAACAGAGT-3'
Protein context (NP_060247.2, residues 68-88): PEEDEEEEIV[Ile78Ser]GWQEKLFSQF